The following is an entry in ClinVar:

ClinVar aggregate classification (germline): Conflicting classifications of pathogenicity. Review status: criteria provided, conflicting classifications (1 of 4 stars). 10 submissions from 10 submitters: Uncertain significance (1); Benign (1); Likely benign (6). 2 of the submissions do not count toward it. Last evaluated 2026-01-28.

Conditions:
Cardiovascular phenotype. Identifiers: MedGen CN230736.
Cholestanol storage disease (CTX). Also called: CEREBRAL CHOLESTERINOSIS; CTX: Cerebrotendinous xanthomatosis; Cerebrotendinous Xanthomatosis. Identifiers: Orphanet 909, MedGen C0238052, MONDO:0008948, OMIM 213700.

Allele frequency attached by ClinVar (database versions not stated): 1000 Genomes Project 30x 0.00016; 1000 Genomes Project 0.00020; ESP Exome Variant Server 0.00031; TOPMed 0.00032; ExAC 0.00035; gnomAD 0.00036 and 0.00037; gnomAD exomes 0.00036 and 0.00038.
gnomAD v4.1: 601 of 1,614,160 alleles (0.037%); highest among the groups gnomAD compares: Non-Finnish European, 0.045%; 1 homozygote.

Submissions (10):

Labcorp Genetics (formerly Invitae), Labcorp
Classification: Benign for Cholestanol storage disease. Last evaluated: 2026-01-28. Review status: criteria provided, single submitter. Criteria: Invitae Variant Classification Sherloc (09022015). Collection method: clinical testing. Allele origin: germline.

Mayo Clinic Laboratories, Mayo Clinic
Classification: Likely benign. Last evaluated: 2025-04-11. Review status: criteria provided, single submitter. Criteria: ACMG Guidelines, 2015. Collection method: clinical testing. Allele origin: germline. Observed: 2 variant alleles.
Comment: BP4, BP7

Blueprint Genetics
Classification: Likely benign. Last evaluated: 2024-09-24. Review status: criteria provided, single submitter. Criteria: ACMG Guidelines, 2015. Collection method: clinical testing. Allele origin: germline.

Ambry Genetics
Classification: Likely benign for Cardiovascular phenotype. Last evaluated: 2022-06-22. Review status: criteria provided, single submitter. Criteria: Ambry Variant Classification Scheme 2023. Collection method: clinical testing. Allele origin: germline.

CeGaT Center for Human Genetics Tuebingen
Classification: Likely benign. Last evaluated: 2021-07-01. Review status: criteria provided, single submitter. Criteria: CeGaT Center For Human Genetics Tuebingen Variant Classification Criteria Version 2. Collection method: clinical testing. Allele origin: germline. Affected: yes. Observed: 3 variant alleles.

GeneDx
Classification: Likely benign. Last evaluated: 2021-03-26. Review status: criteria provided, single submitter. Criteria: GeneDx Variant Classification Process June 2021. Collection method: clinical testing. Allele origin: germline. Affected: yes.

Eurofins Ntd Llc (ga)
Classification: Uncertain significance. Last evaluated: 2017-09-18. Review status: criteria provided, single submitter. Criteria: EGL Classification Definitions 2015. Collection method: clinical testing. Allele origin: germline. Observed: 4 variant alleles, 4 heterozygotes.

Clinical Genetics DNA and cytogenetics Diagnostics Lab, Erasmus MC, Erasmus Medical Center
Classification: Likely benign for Cholestanol storage disease. Last evaluated: 2017-06-28. Review status: criteria provided, single submitter. Criteria: ACGS Guidelines, 2013. Collection method: clinical testing. Allele origin: germline. Affected: yes. Study: VKGL Data-share Consensus.

Natera, Inc.
Classification: Likely benign for Cerebrotendinous xanthomatosis. Last evaluated: 2019-12-23. Review status: no assertion criteria provided. Collection method: clinical testing. Allele origin: germline. Not counted in ClinVar's aggregate classification.

Clinical Genetics, Academic Medical Center
Classification: Benign. Review status: no assertion criteria provided. Collection method: clinical testing. Allele origin: germline. Affected: yes. Study: VKGL Data-share Consensus. Not counted in ClinVar's aggregate classification.

NM_000784.4(CYP27A1):c.1419C>T (p.Val473=)

Gene: CYP27A1 (cytochrome P450 family 27 subfamily A member 1; plus strand). Cytogenetic location: 2q35.
Variant type: single nucleotide variant.
Coding change: c.1419C>T on transcript NM_000784.4 (MANE Select); coding-DNA position 1419, C replaced by T.
Protein change: p.Val473=; no amino-acid change (valine 473 retained).
Molecular consequence: synonymous variant.
Genome position (GRCh38, 1-based): chr2:218,814,700, C>T. VCF-style: chr2-218814700-C-T. GRCh37 (hg19) VCF-style: chr2-219679423-C-T.
Other names: p.Val473=.
Identifiers: ClinVar variation 287313 (VCV000287313.64), dbSNP rs138596741, ClinGen allele CA2112891.